The following is an entry in ClinVar:

NM_017617.5(NOTCH1):c.2112C>T (p.Cys704=)

Gene: NOTCH1 (notch receptor 1; minus strand). Cytogenetic location: 9q34.3.
Variant type: single nucleotide variant.
Coding change: c.2112C>T on transcript NM_017617.5 (MANE Select); coding-DNA position 2112, C replaced by T.
Protein change: p.Cys704=; no amino-acid change (cysteine 704 retained).
Molecular consequence: synonymous variant.
Genome position (GRCh38, 1-based): chr9:136,514,605, G>A on the plus strand (C>T on the coding strand, the complement: NOTCH1 is on the minus strand). VCF-style: chr9-136514605-G-A. GRCh37 (hg19) VCF-style: chr9-139409057-G-A.
Other names: c.2112C>T, p.Cys704= (LRG_1122t1).
Identifiers: ClinVar variation 520025 (VCV000520025.43), dbSNP rs757495549, ClinGen allele CA5341481.

ClinVar aggregate classification (germline): Likely benign. Review status: criteria provided, multiple submitters, no conflicts (2 of 4 stars). 8 submissions from 7 submitters: Likely benign (8). Last evaluated 2026-01-21.

Conditions:
Adams-Oliver syndrome 5 (AOS5). Identifiers: Orphanet 974, MedGen C4014970, MONDO:0014459, OMIM 616028.
Familial thoracic aortic aneurysm and aortic dissection (TAAD). Also called: Thoracic aortic aneurysms and dissections. Identifiers: Orphanet 91387, MedGen C4707243, MONDO:0019625.
Aortic valve disease 1 (AOVD1). Identifiers: MedGen C3887892, MONDO:0024523, OMIM 109730.

Allele frequency attached by ClinVar (database versions not stated): gnomAD 0.00002; gnomAD exomes 0.00002 and 0.00004; ExAC 0.00003; TOPMed 0.00006.
gnomAD v4.1: 66 of 1,608,862 alleles (0.0041%); highest among the groups gnomAD compares: Non-Finnish European, 0.0051%; no homozygotes.

Submissions (8):

Labcorp Genetics (formerly Invitae), Labcorp
Classification: Likely benign for Adams-Oliver syndrome 5. Last evaluated: 2026-01-21. Review status: criteria provided, single submitter. Criteria: Invitae Variant Classification Sherloc (09022015). Collection method: clinical testing. Allele origin: germline.

Blueprint Genetics
Classification: Likely benign. Last evaluated: 2024-10-11. Review status: criteria provided, single submitter. Criteria: ACMG Guidelines, 2015. Collection method: clinical testing. Allele origin: germline.

ARUP Laboratories, Molecular Genetics and Genomics, ARUP Laboratories
Classification: Likely benign. Last evaluated: 2024-03-20. Review status: criteria provided, single submitter. Criteria: ARUP Molecular Germline Variant Investigation Process 2024. Collection method: clinical testing. Allele origin: germline.

CeGaT Center for Human Genetics Tuebingen
Classification: Likely benign. Last evaluated: 2023-03-01. Review status: criteria provided, single submitter. Criteria: CeGaT Center For Human Genetics Tuebingen Variant Classification Criteria Version 2. Collection method: clinical testing. Allele origin: germline. Affected: yes. Observed: 1 variant allele.
Comment: NOTCH1: BP4, BP7

Genome-Nilou Lab
Classification: Likely benign for Adams-Oliver syndrome 5. Last evaluated: 2022-03-15. Review status: criteria provided, single submitter. Criteria: ACMG Guidelines, 2015. Collection method: clinical testing. Allele origin: germline. Affected: no.

Genome-Nilou Lab
Classification: Likely benign for Aortic valve disease 1. Last evaluated: 2022-03-15. Review status: criteria provided, single submitter. Criteria: ACMG Guidelines, 2015. Collection method: clinical testing. Allele origin: germline. Affected: no.

GeneDx
Classification: Likely benign. Last evaluated: 2020-01-07. Review status: criteria provided, single submitter. Criteria: GeneDx Variant Classification Process June 2021. Collection method: clinical testing. Allele origin: germline. Affected: yes.

Ambry Genetics
Classification: Likely benign for Familial thoracic aortic aneurysm and aortic dissection. Last evaluated: 2016-03-31. Review status: criteria provided, single submitter. Criteria: Ambry Variant Classification Scheme 2023. Collection method: clinical testing. Allele origin: germline.